The following is an entry in ClinVar:

ClinVar aggregate classification (germline): Pathogenic (1 of 4 stars; one submission).

Conditions:
Bethlem myopathy 1A. Also called: Bethlem myopathy 1; MYOPATHY, BENIGN CONGENITAL, WITH CONTRACTURES; Bethlem Muscular Dystrophy. Identifiers: Orphanet 610, MedGen CN029274, MONDO:0024530, OMIM 158810.

Submission:

Labcorp Genetics (formerly Invitae), Labcorp
Classification: Pathogenic for Bethlem myopathy 1A. Last evaluated: 2025-07-16. Review status: criteria provided, single submitter. Criteria: Invitae Variant Classification Sherloc (09022015). Collection method: clinical testing. Allele origin: germline.
Comment: This sequence change creates a premature translational stop signal (p.Ala320Glyfs*131) in the COL6A2 gene. It is expected to result in an absent or disrupted protein product. Loss-of-function variants in COL6A2 are known to be pathogenic (PMID: 19884007, 20976770). This variant is not present in population databases (gnomAD no frequency). This variant has not been reported in the literature in individuals affected with COL6A2-related conditions. ClinVar contains an entry for this variant (Variation ID: 2875944). Algorithms developed to predict the effect of sequence changes on RNA splicing suggest that this variant may disrupt the consensus splice site. For these reasons, this variant has been classified as Pathogenic.

Literature cited by the submitters: PubMed 19884007; PubMed 20976770.

NC_000021.9:g.46116773dup

Gene: COL6A2 (collagen type VI alpha 2 chain; plus strand). Cytogenetic location: 21q22.3.
Variant type: Duplication.
Genome position: GRCh38 VCF-style: chr21-46116768-A-AG. GRCh37 (hg19) VCF-style: chr21-47536682-A-AG.
Identifiers: ClinVar variation 2875944 (VCV002875944.3), dbSNP rs2516997121, ClinGen allele CA2739265661.